The following is an entry in ClinVar:

NM_024675.4(PALB2):c.118A>G (p.Arg40Gly)

Gene: PALB2 (partner and localizer of BRCA2; minus strand). Cytogenetic location: 16p12.2.
Variant type: single nucleotide variant.
Coding change: c.118A>G on transcript NM_024675.4 (MANE Select); coding-DNA position 118, A replaced by G.
Protein change: p.Arg40Gly; replaces arginine 40 with glycine.
Molecular consequence: missense variant. On other transcripts: 5 prime UTR variant (8), intron variant (3).
Genome position (GRCh38, 1-based): chr16:23,637,943, T>C on the plus strand (A>G on the coding strand, the complement: PALB2 is on the minus strand). VCF-style: chr16-23637943-T-C. GRCh37 (hg19) VCF-style: chr16-23649264-T-C.
Other names: c.118A>G, p.Arg40Gly (NM_001407297.1, NM_001407298.1, NM_001407299.1 and 3 more transcripts); c.-768A>G (NM_001407304.1, NM_001407305.1, NM_001407306.1 and 5 more transcripts); c.58A>G, p.Arg20Gly (NM_001407296.1); c.48+3167A>G (NM_001407314.1); c.-105+3167A>G (NM_001407313.1, NM_001407312.1); short protein forms R20G, R40G.
Identifiers: ClinVar variation 5026134 (VCV005026134.1).

ClinVar aggregate classification (germline): Uncertain significance (1 of 4 stars; one submission).

Conditions:
Hereditary cancer-predisposing syndrome. Also called: Neoplastic Syndromes, Hereditary; Tumor predisposition; Hereditary neoplastic syndrome; Hereditary Cancer Syndrome. Identifiers: Orphanet 140162, MedGen C0027672, MeSH D009386, MONDO:0015356.

Submission:

Ambry Genetics
Classification: Uncertain significance for Hereditary cancer-predisposing syndrome. Last evaluated: 2026-06-23. Review status: criteria provided, single submitter. Criteria: Ambry Variant Classification Scheme 2023. Collection method: clinical testing. Allele origin: germline.
Comment: The p.R40G variant (also known as c.118A>G), located in coding exon 3 of the PALB2 gene, results from an A to G substitution at nucleotide position 118. The arginine at codon 40 is replaced by glycine, an amino acid with dissimilar properties. This amino acid position is well conserved in available vertebrate species. In addition, the in silico prediction for this alteration is inconclusive. Based on the available evidence, the clinical significance of this variant remains unclear.